The following is an entry in ClinVar:

ClinVar aggregate classification (germline): Likely benign. Review status: criteria provided, multiple submitters, no conflicts (2 of 4 stars). 3 submissions from 3 submitters: Likely benign (3). Last evaluated 2026-03-01.

Conditions:
Epidermolysis bullosa simplex with nail dystrophy (EBS5D). Identifiers: MedGen C4225309, MONDO:0014661, OMIM 616487.
Epidermolysis bullosa simplex 5B, with muscular dystrophy (EBS5B). Also called: EPIDERMOLYSIS BULLOSA SIMPLEX AND LIMB-GIRDLE MUSCULAR DYSTROPHY; Epidermolysis bullosa simplex with muscular dystrophy. Identifiers: Orphanet 257, MedGen C2931072, MONDO:0009181, OMIM 226670.
Epidermolysis bullosa simplex, Ogna type (EBS5A). Also called: Pidermolysis bullosa simplex 5A, Ogna type; EPIDERMOLYSIS BULLOSA SIMPLEX 5A, OGNA TYPE. Identifiers: Orphanet 79401, MedGen C0432317, MONDO:0007555, OMIM 131950.
Autosomal recessive limb-girdle muscular dystrophy type 2Q (LGMDR17). Also called: MUSCULAR DYSTROPHY, LIMB-GIRDLE, AUTOSOMAL RECESSIVE 17. Identifiers: Orphanet 254361, MedGen C3150989, MONDO:0013390, OMIM 613723.
Epidermolysis bullosa simplex 5C, with pyloric atresia (EBS5C). Also called: PLEC-Related Epidermolysis Bullosa with Pyloric Atresia; Epidermolysis bullosa simplex with pyloric atresia; PLEC1-Related Epidermolysis Bullosa with Pyloric Atresia. Identifiers: Orphanet 158684, MedGen C2677349, MONDO:0012807, OMIM 612138.

Allele frequency attached by ClinVar (database versions not stated): ExAC 0.00002; gnomAD exomes 0.00002; TOPMed 0.00004; ESP Exome Variant Server 0.00008; gnomAD 0.00009.
gnomAD v4.1: 26 of 1,612,676 alleles (0.0016%); highest among the groups gnomAD compares: African/African-American, 0.0093%; no homozygotes.

Submissions (3):

CeGaT Center for Human Genetics Tuebingen
Classification: Likely benign. Last evaluated: 2026-03-01. Review status: criteria provided, single submitter. Criteria: CeGaT Center For Human Genetics Tuebingen Variant Classification Criteria Version 2. Collection method: clinical testing. Allele origin: germline. Affected: yes. Observed: 1 variant allele.
Comment: PLEC: BP4, BP7

Labcorp Genetics (formerly Invitae), Labcorp
Classification: Likely benign for Autosomal recessive limb-girdle muscular dystrophy type 2Q; Epidermolysis bullosa simplex, Ogna type; Epidermolysis bullosa simplex with nail dystrophy; Epidermolysis bullosa simplex 5C, with pyloric atresia; Epidermolysis bullosa simplex 5B, with muscular dystrophy. Last evaluated: 2025-09-02. Review status: criteria provided, single submitter. Criteria: Invitae Variant Classification Sherloc (09022015). Collection method: clinical testing. Allele origin: germline.

Blueprint Genetics
Classification: Likely benign. Last evaluated: 2022-06-17. Review status: criteria provided, single submitter. Criteria: ACMG Guidelines, 2015. Collection method: clinical testing. Allele origin: germline.

NM_201384.3(PLEC):c.12966C>T (p.Ile4322=)

Gene: PLEC (plectin; minus strand). Cytogenetic location: 8q24.3.
Variant type: single nucleotide variant.
Coding change: c.12966C>T on transcript NM_201384.3 (MANE Select); coding-DNA position 12966, C replaced by T.
Protein change: p.Ile4322=; no amino-acid change (isoleucine 4322 retained).
Molecular consequence: synonymous variant.
Genome position (GRCh38, 1-based): chr8:143,916,855, G>A on the plus strand (C>T on the coding strand, the complement: PLEC is on the minus strand). VCF-style: chr8-143916855-G-A. GRCh37 (hg19) VCF-style: chr8-144991023-G-A.
Other names: c.13047C>T, p.Ile4349= (NM_000445.5); c.12924C>T, p.Ile4308= (NM_201378.4); c.12900C>T, p.Ile4300= (NM_201379.3); c.13377C>T, p.Ile4459= (NM_201380.4); c.12870C>T, p.Ile4290= (NM_201381.3); c.12966C>T, p.Ile4322= (NM_201382.4); c.12978C>T, p.Ile4326= (NM_201383.3).
Identifiers: ClinVar variation 715408 (VCV000715408.14), dbSNP rs201042249, ClinGen allele CA4923938.
Genomic context (GRCh38, chr8:143,916,855, plus strand): 5'-GTCCACCAGGCCCTTGTTGACGGCGTCGGTGACAGGGAAGCGCTCACCGGTGCTGGGGTC[G>A]ATGATGCCCCCGGTGCAGGCCTGCGCCTCCAGCAGCCGCTGCCCCGTGATGTTATCCACC-3'
Protein context (NP_958786.1, residues 4312-4332): LEAQACTGGI[Ile4322=]DPSTGERFPV